The following is an entry in ClinVar:

ClinVar aggregate classification (germline): Uncertain significance. Review status: criteria provided, multiple submitters, no conflicts (2 of 4 stars). 3 submissions from 3 submitters: Uncertain significance (3). Last evaluated 2024-09-12.

Conditions:
Hereditary cancer-predisposing syndrome. Also called: Neoplastic Syndromes, Hereditary; Tumor predisposition; Hereditary Cancer Syndrome; Hereditary neoplastic syndrome. Identifiers: Orphanet 140162, MedGen C0027672, MeSH D009386, MONDO:0015356.
Familial cancer of breast. Also called: hereditary breast carcinoma; BREAST CANCER, FAMILIAL; Hereditary breast cancer. Identifiers: Orphanet 227535, MedGen C0346153, MONDO:0016419, OMIM 114480. Disease mechanism: loss of function.
Ataxia-telangiectasia syndrome (AT). Also called: ATAXIA-TELANGIECTASIA, COMPLEMENTATION GROUP A; ATAXIA-TELANGIECTASIA, FRESNO VARIANT; Ataxia-telangiectasia; Ataxia-telangiectasia, complementation group D; AT, COMPLEMENTATION GROUP C; Ataxia-telangiectasia, complementation group E. Identifiers: Orphanet 100, MedGen C0004135, MONDO:0008840, OMIM 208900.

Allele frequency attached by ClinVar (database versions not stated): gnomAD exomes below 0.00001.
gnomAD v4.1: 1 of 1,614,006 alleles (0.000062%); highest among the groups gnomAD compares: Non-Finnish European, 0.000085%; no homozygotes.

Submissions (3):

Labcorp Genetics (formerly Invitae), Labcorp
Classification: Uncertain significance for Ataxia-telangiectasia syndrome. Last evaluated: 2024-09-12. Review status: criteria provided, single submitter. Criteria: Invitae Variant Classification Sherloc (09022015). Collection method: clinical testing. Allele origin: germline.
Comment: This sequence change replaces glutamic acid, which is acidic and polar, with glycine, which is neutral and non-polar, at codon 1313 of the ATM protein (p.Glu1313Gly). This variant is not present in population databases (gnomAD no frequency). This variant has not been reported in the literature in individuals affected with ATM-related conditions. ClinVar contains an entry for this variant (Variation ID: 524306). An algorithm developed to predict the effect of missense changes on protein structure and function (PolyPhen-2) suggests that this variant is likely to be tolerated. In summary, the available evidence is currently insufficient to determine the role of this variant in disease. Therefore, it has been classified as a Variant of Uncertain Significance.

Baylor Genetics
Classification: Uncertain significance for Familial cancer of breast. Last evaluated: 2024-02-14. Review status: criteria provided, single submitter. Criteria: ACMG Guidelines, 2015. Collection method: clinical testing. Allele origin: unknown.

Ambry Genetics
Classification: Uncertain significance for Hereditary cancer-predisposing syndrome. Last evaluated: 2024-01-08. Review status: criteria provided, single submitter. Criteria: Ambry Variant Classification Scheme 2023. Collection method: clinical testing. Allele origin: germline.
Comment: The p.E1313G variant (also known as c.3938A>G), located in coding exon 25 of the ATM gene, results from an A to G substitution at nucleotide position 3938. The glutamic acid at codon 1313 is replaced by glycine, an amino acid with similar properties. This amino acid position is not well conserved in available vertebrate species. In addition, this alteration is predicted to be tolerated by in silico analysis. Since supporting evidence is limited at this time, the clinical significance of this alteration remains unclear.

NM_000051.4(ATM):c.3938A>G (p.Glu1313Gly)

Gene: ATM (ATM serine/threonine kinase; plus strand). Cytogenetic location: 11q22.3.
Variant type: single nucleotide variant.
Coding change: c.3938A>G on transcript NM_000051.4 (MANE Select); coding-DNA position 3938, A replaced by G.
Protein change: p.Glu1313Gly; replaces glutamic acid 1313 with glycine.
Molecular consequence: missense variant.
Genome position (GRCh38, 1-based): chr11:108,284,418, A>G. VCF-style: chr11-108284418-A-G. GRCh37 (hg19) VCF-style: chr11-108155145-A-G.
Other names: c.3938A>G, p.Glu1313Gly (NM_001351834.2); short protein forms E1313G.
Identifiers: ClinVar variation 524306 (VCV000524306.13), dbSNP rs1555093695, ClinGen allele CA382525944.
Genomic context (GRCh38, chr11:108,284,418, plus strand): 5'-ATATTCTTCCTTATTTTGCCTATGAGGGTACCAGAGACAGTGGGATGGCACAGCAAAGAG[A>G]GACTGCTACCAAGGTCTATGATATGCTTAAAAGTGAAAACTTATTGGGAAAACAGGTATG-3'
Protein context (NP_000042.3, residues 1303-1323): TRDSGMAQQR[Glu1313Gly]TATKVYDMLK